The following is an entry in ClinVar:

ClinVar aggregate classification (germline): Uncertain significance (1 of 4 stars; one submission).

Conditions:
Zellweger spectrum disorders (ZS). Also called: Zellweger Spectrum Disorder; Zellweger Spectrum; Zellweger Spectrum Disorder (ZSD); Zellweger syndrome. Identifiers: Orphanet 912, MedGen C0043459, MONDO:0019609.

Submission:

Labcorp Genetics (formerly Invitae), Labcorp
Classification: Uncertain significance for Zellweger spectrum disorders. Last evaluated: 2022-03-18. Review status: criteria provided, single submitter. Criteria: Invitae Variant Classification Sherloc (09022015). Collection method: clinical testing. Allele origin: germline.
Comment: In summary, the available evidence is currently insufficient to determine the role of this variant in disease. Therefore, it has been classified as a Variant of Uncertain Significance. Advanced modeling of protein sequence and biophysical properties (such as structural, functional, and spatial information, amino acid conservation, physicochemical variation, residue mobility, and thermodynamic stability) performed at Invitae indicates that this missense variant is not expected to disrupt PEX1 protein function. This variant has not been reported in the literature in individuals affected with PEX1-related conditions. This variant is not present in population databases (gnomAD no frequency). This sequence change replaces serine, which is neutral and polar, with asparagine, which is neutral and polar, at codon 984 of the PEX1 protein (p.Ser984Asn).

NM_000466.3(PEX1):c.2951G>A (p.Ser984Asn)

Genes: PEX1 (peroxisomal biogenesis factor 1; minus strand), GATAD1 (GATA zinc finger domain containing 1; plus strand). Cytogenetic location: 7q21.2.
Variant type: single nucleotide variant.
Coding change: c.2951G>A on transcript NM_000466.3 (MANE Select); coding-DNA position 2951, G replaced by A.
Protein change: p.Ser984Asn; replaces serine 984 with asparagine.
Molecular consequence: missense variant.
Genome position (GRCh38, 1-based): chr7:92,494,372, C>T on the plus strand (G>A on the coding strand, the complement: PEX1 is on the minus strand). VCF-style: chr7-92494372-C-T. GRCh37 (hg19) VCF-style: chr7-92123686-C-T.
Other names: c.2780G>A, p.Ser927Asn (NM_001282677.2); c.2327G>A, p.Ser776Asn (NM_001282678.2); short protein forms S984N, S927N, S776N.
Identifiers: ClinVar variation 2102972 (VCV002102972.4), dbSNP rs2484636943, ClinGen allele CA368167691.